The following is an entry in ClinVar:

NM_000152.5(GAA):c.1772G>A (p.Arg591Gln)

Gene: GAA (alpha glucosidase; plus strand). Cytogenetic location: 17q25.3.
Variant type: single nucleotide variant.
Coding change: c.1772G>A on transcript NM_000152.5 (MANE Select); coding-DNA position 1772, G replaced by A.
Protein change: p.Arg591Gln; replaces arginine 591 with glutamine.
Molecular consequence: missense variant.
Genome position (GRCh38, 1-based): chr17:80,112,595, G>A. VCF-style: chr17-80112595-G-A. GRCh37 (hg19) VCF-style: chr17-78086394-G-A.
Other names: c.1772G>A, p.Arg591Gln (NM_001079803.3, NM_001079804.3); short protein forms R591Q.
Identifiers: ClinVar variation 991139 (VCV000991139.5), dbSNP rs528010457, ClinGen allele CA8815473.
Genomic context (GRCh38, chr17:80,112,595, plus strand): 5'-ACCCCGCTCCACACAGCCCTCACGGTGTCCCCCACCACCCCAGGGCGCTGGTGAAGGCTC[G>A]GGGGACACGCCCATTTGTGATCTCCCGCTCGACCTTTGCTGGCCACGGCCGATACGCCGG-3'
Protein context (NP_000143.2, residues 581-601): IASHRALVKA[Arg591Gln]GTRPFVISRS

ClinVar aggregate classification (germline): Uncertain significance. Review status: criteria provided, multiple submitters, no conflicts (2 of 4 stars). 4 submissions from 4 submitters: Uncertain significance (3). 1 of the submissions does not count toward it. Last evaluated 2023-10-23.

Conditions:
Glycogen storage disease, type II (IOPD). Also called: Glycogen storage disease type 2; Acid maltase deficiency disease; Aglucosidase alfa; Deficiency of alpha-glucosidase; Deficiency of lysosomal alpha-glucosidase; Pompe Disease. Identifiers: Orphanet 365, MedGen C0017921, MONDO:0009290, OMIM 232300.

Allele frequency attached by ClinVar (database versions not stated): TOPMed below 0.00001; gnomAD 0.00001 and 0.00003; gnomAD exomes 0.00002 and 0.00004; ExAC 0.00004; 1000 Genomes Project 30x 0.00016; 1000 Genomes Project 0.00020.
gnomAD v4.1: 29 of 1,612,942 alleles (0.0018%); highest among the groups gnomAD compares: South Asian, 0.015%; 1 homozygote.

Submissions (4):

Revvity Omics, Revvity
Classification: Uncertain significance. Last evaluated: 2023-10-23. Review status: criteria provided, single submitter. Criteria: ACMG Guidelines, 2015. Collection method: clinical testing. Allele origin: germline.

Labcorp Genetics (formerly Invitae), Labcorp
Classification: Uncertain significance for Glycogen storage disease, type II. Last evaluated: 2022-10-07. Review status: criteria provided, single submitter. Criteria: Invitae Variant Classification Sherloc (09022015). Collection method: clinical testing. Allele origin: germline.
Comment: This sequence change replaces arginine, which is basic and polar, with glutamine, which is neutral and polar, at codon 591 of the GAA protein (p.Arg591Gln). This variant is present in population databases (rs528010457, gnomAD 0.02%). This variant has not been reported in the literature in individuals affected with GAA-related conditions. ClinVar contains an entry for this variant (Variation ID: 991139). Advanced modeling of protein sequence and biophysical properties (such as structural, functional, and spatial information, amino acid conservation, physicochemical variation, residue mobility, and thermodynamic stability) has been performed at Invitae for this missense variant, however the output from this modeling did not meet the statistical confidence thresholds required to predict the impact of this variant on GAA protein function. In summary, the available evidence is currently insufficient to determine the role of this variant in disease. Therefore, it has been classified as a Variant of Uncertain Significance.

Fulgent Genetics
Classification: Uncertain significance for Glycogen storage disease, type II. Last evaluated: 2021-12-15. Review status: criteria provided, single submitter. Criteria: ACMG Guidelines, 2015. Collection method: clinical testing. Allele origin: unknown.

Natera, Inc.
Classification: Uncertain significance for Glycogen storage disease type II. Last evaluated: 2020-08-14. Review status: no assertion criteria provided. Collection method: clinical testing. Allele origin: germline. Not counted in ClinVar's aggregate classification.